The following is an entry in ClinVar:

ClinVar aggregate classification (germline): Uncertain significance (1 of 4 stars; one submission).

Conditions:
Gastrointestinal stromal tumor. Also called: Gastrointestinal stromal tumor, somatic; Gastrointestinal stroma tumor. Identifiers: Orphanet 44890, MedGen C0238198, MeSH D046152, MONDO:0011719, OMIM 606764, HP:0100723.

gnomAD v4.1: 1 of 1,613,422 alleles (0.000062%); highest among the groups gnomAD compares: Non-Finnish European, 0.000085%; no homozygotes.

Submission:

Labcorp Genetics (formerly Invitae), Labcorp
Classification: Uncertain significance for Gastrointestinal stromal tumor. Last evaluated: 2025-02-07. Review status: criteria provided, single submitter. Criteria: Invitae Variant Classification Sherloc (09022015). Collection method: clinical testing. Allele origin: germline.
Comment: This sequence change replaces asparagine, which is neutral and polar, with isoleucine, which is neutral and non-polar, at codon 396 of the KIT protein (p.Asn396Ile). This variant is not present in population databases (gnomAD no frequency). This variant has not been reported in the literature in individuals affected with KIT-related conditions. An algorithm developed to predict the effect of missense changes on protein structure and function (PolyPhen-2) suggests that this variant is likely to be disruptive. In summary, the available evidence is currently insufficient to determine the role of this variant in disease. Therefore, it has been classified as a Variant of Uncertain Significance.

NM_000222.3(KIT):c.1187A>T (p.Asn396Ile)

Gene: KIT (KIT proto-oncogene, receptor tyrosine kinase; plus strand). Cytogenetic location: 4q12.
Variant type: single nucleotide variant.
Coding change: c.1187A>T on transcript NM_000222.3 (MANE Select); coding-DNA position 1187, A replaced by T.
Protein change: p.Asn396Ile; replaces asparagine 396 with isoleucine.
Molecular consequence: missense variant.
Genome position (GRCh38, 1-based): chr4:54,709,495, A>T. VCF-style: chr4-54709495-A-T. GRCh37 (hg19) VCF-style: chr4-55575661-A-T.
Other names: c.1187A>T, p.Asn396Ile (NM_001093772.2, NM_001385285.1, NM_001385286.1); c.1190A>T, p.Asn397Ile (NM_001385284.1, NM_001385288.1, NM_001385290.1 and 1 more transcripts); short protein forms N397I, N396I.
Identifiers: ClinVar variation 4712520 (VCV004712520.1).